The following is an entry in ClinVar:

ClinVar aggregate classification (germline): Conflicting classifications of pathogenicity. Review status: criteria provided, conflicting classifications (1 of 4 stars). 2 submissions from 2 submitters: Uncertain significance (1); Likely benign (1). Last evaluated 2023-10-23.

Conditions:
Hereditary breast ovarian cancer syndrome. Also called: Hereditary breast and ovarian cancer syndrome; Hereditary breast and ovarian cancer syndrome (HBOC); Hereditary breast and/or ovarian cancer syndrome; Hereditary breast and ovarian cancer; BRCA1- and BRCA2-Associated Hereditary Breast and Ovarian Cancer; Breast and ovarian cancer. Identifiers: Orphanet 145, MedGen C0677776, MeSH D061325, MONDO:0003582. Disease mechanism: loss of function.
Breast-ovarian cancer, familial, susceptibility to, 2 (BROVCA2). Also called: BRCA2 Hereditary Breast and Ovarian Cancer. Identifiers: Orphanet 145, MedGen C2675520, MONDO:0012933, OMIM 612555. Disease mechanism: loss of function.

Allele frequency attached by ClinVar (database versions not stated): gnomAD exomes below 0.00001.
gnomAD v4.1: 3 of 1,611,154 alleles (0.00019%); highest among the groups gnomAD compares: Non-Finnish European, 0.00025%; no homozygotes.

Submissions (2):

All of Us Research Program, National Institutes of Health
Classification: Uncertain significance for Breast-ovarian cancer, familial, susceptibility to, 2. Last evaluated: 2023-10-23. Review status: criteria provided, single submitter. Criteria: ACMG Guidelines, 2015. Collection method: clinical testing. Allele origin: germline. Inheritance: Autosomal dominant inheritance. Observed: 1 variant allele, 1 heterozygote.
Comment: This variant causes a A to G nucleotide substitution at the -13 position of the 5' untranslated region of the BRCA2 gene. To our knowledge, functional studies have not been reported for this variant. This variant has not been reported in individuals affected with BRCA2-related disorders in the literature. This variant has not been identified in the general population by the Genome Aggregation Database (gnomAD). The available evidence is insufficient to determine the role of this variant in disease conclusively. Therefore, this variant is classified as a Variant of Uncertain Significance.

This study involves interpretation of variants in research participants for the purpose of population health screening. Participant phenotype was not available at the time of variant classification. Additional details can be found in publication PMID: 35346344, PMCID: PMC8962531

Labcorp Genetics (formerly Invitae), Labcorp
Classification: Likely benign for Hereditary breast ovarian cancer syndrome. Last evaluated: 2020-03-16. Review status: criteria provided, single submitter. Criteria: Invitae Variant Classification Sherloc (09022015). Collection method: clinical testing. Allele origin: germline.

NM_000059.4(BRCA2):c.-13A>G

Gene: BRCA2 (BRCA2 DNA repair associated; plus strand). Cytogenetic location: 13q13.1.
Variant type: single nucleotide variant.
Coding change: c.-13A>G on transcript NM_000059.4 (MANE Select); 13 bases upstream of the start codon, A replaced by G.
Molecular consequence: 5 prime UTR variant.
Genome position (GRCh38, 1-based): chr13:32,316,448, A>G. VCF-style: chr13-32316448-A-G. GRCh37 (hg19) VCF-style: chr13-32890585-A-G.
Identifiers: ClinVar variation 1152735 (VCV001152735.12), dbSNP rs2138697841, ClinGen allele CA2499222009.